The following is an entry in ClinVar:

NM_001369268.1(ACAN):c.7159C>G (p.Arg2387Gly)

Gene: ACAN (aggrecan; plus strand). Cytogenetic location: 15q26.1.
Variant type: single nucleotide variant.
Coding change: c.7159C>G on transcript NM_001369268.1 (MANE Select); coding-DNA position 7159, C replaced by G.
Protein change: p.Arg2387Gly; replaces arginine 2387 with glycine.
Molecular consequence: missense variant.
Genome position (GRCh38, 1-based): chr15:88,871,480, C>G. VCF-style: chr15-88871480-C-G. GRCh37 (hg19) VCF-style: chr15-89414711-C-G.
Other names: c.6931C>G, p.Arg2311Gly (NM_001135.4, NM_001411096.1); c.7045C>G, p.Arg2349Gly (NM_001411097.1, NM_013227.4); short protein forms R2349G, R2311G, R2387G.
Identifiers: ClinVar variation 2801427 (VCV002801427.3), dbSNP rs376535037, ClinGen allele CA393729659.

ClinVar aggregate classification (germline): Uncertain significance (1 of 4 stars; one submission).

Submission:

Labcorp Genetics (formerly Invitae), Labcorp
Classification: Uncertain significance. Last evaluated: 2024-01-03. Review status: criteria provided, single submitter. Criteria: Invitae Variant Classification Sherloc (09022015). Collection method: clinical testing. Allele origin: germline.
Comment: This sequence change replaces arginine, which is basic and polar, with glycine, which is neutral and non-polar, at codon 2349 of the ACAN protein (p.Arg2349Gly). This variant is not present in population databases (gnomAD no frequency). This variant has not been reported in the literature in individuals affected with ACAN-related conditions. An algorithm developed to predict the effect of missense changes on protein structure and function (PolyPhen-2) suggests that this variant is likely to be disruptive. In summary, the available evidence is currently insufficient to determine the role of this variant in disease. Therefore, it has been classified as a Variant of Uncertain Significance.